The following is an entry in ClinVar:

ClinVar aggregate classification (germline): Benign (1 of 4 stars; one submission).

Allele frequency attached by ClinVar (database versions not stated): gnomAD exomes 0.26358; 1000 Genomes Project 0.32149; 1000 Genomes Project 30x 0.33104; gnomAD 0.33995 and 0.34795; TOPMed 0.35397.
gnomAD v4.1: 209,547 of 749,284 alleles (28%); highest among the groups gnomAD compares: African/African-American, 55%; 32,997 homozygotes.

Submission:

GeneDx
Classification: Benign. Last evaluated: 2018-06-14. Review status: criteria provided, single submitter. Criteria: GeneDx Variant Classification (06012015). Collection method: clinical testing. Allele origin: germline. Affected: yes.
Comment: This variant is considered likely benign or benign based on one or more of the following criteria: it is a conservative change, it occurs at a poorly conserved position in the protein, it is predicted to be benign by multiple in silico algorithms, and/or has population frequency not consistent with disease.

NM_203447.4(DOCK8):c.1868+139G>A

Gene: DOCK8 (dedicator of cytokinesis 8; plus strand). Cytogenetic location: 9p24.3.
Variant type: single nucleotide variant.
Coding change: c.1868+139G>A on transcript NM_203447.4 (MANE Select); 139 bases into the intron after coding-DNA position 1868, G replaced by A.
Molecular consequence: intron variant.
Genome position (GRCh38, 1-based): chr9:370,439, G>A. VCF-style: chr9-370439-G-A. GRCh37 (hg19) VCF-style: chr9-370439-G-A.
Other names: c.1664+139G>A (NM_001193536.2, NM_001190458.2).
Identifiers: ClinVar variation 676820 (VCV000676820.1), dbSNP rs751352, ClinGen allele CA13041905.